The following is an entry in ClinVar:

NM_000090.4(COL3A1):c.3577C>G (p.Pro1193Ala)

Gene: COL3A1 (collagen type III alpha 1 chain; plus strand). Cytogenetic location: 2q32.2.
Variant type: single nucleotide variant.
Coding change: c.3577C>G on transcript NM_000090.4 (MANE Select); coding-DNA position 3577, C replaced by G.
Protein change: p.Pro1193Ala; replaces proline 1193 with alanine.
Molecular consequence: missense variant.
Genome position (GRCh38, 1-based): chr2:189,008,975, C>G. VCF-style: chr2-189008975-C-G. GRCh37 (hg19) VCF-style: chr2-189873701-C-G.
Other names: short protein forms P1193A.
Identifiers: ClinVar variation 4005354 (VCV004005354.1).
Genomic context (GRCh38, chr2:189,008,975, plus strand): 5'-TCATTCTAGGGCTCCCCAGGCCACCCAGGGCAACCAGGCCCTCCTGGACCTCCTGGTGCC[C>G]CTGGTCCTTGCTGTGGTGGTGTTGGAGCCGCTGCCATTGCTGGGATTGGAGGTGAAAAAG-3'
Protein context (NP_000081.2, residues 1183-1203): QPGPPGPPGA[Pro1193Ala]GPCCGGVGAA

ClinVar aggregate classification (germline): Uncertain significance (1 of 4 stars; one submission).

Conditions:
Familial thoracic aortic aneurysm and aortic dissection (TAAD). Also called: Thoracic aortic aneurysms and dissections. Identifiers: Orphanet 91387, MedGen C4707243, MONDO:0019625.

gnomAD v4.1: 2 of 1,614,036 alleles (0.00012%); highest among the groups gnomAD compares: Non-Finnish European, 0.00017%; no homozygotes.

Submission:

Ambry Genetics
Classification: Uncertain significance for Familial thoracic aortic aneurysm and aortic dissection. Last evaluated: 2025-06-05. Review status: criteria provided, single submitter. Criteria: Ambry Variant Classification Scheme 2023. Collection method: clinical testing. Allele origin: germline.
Comment: The p.P1193A variant (also known as c.3577C>G), located in coding exon 48 of the COL3A1 gene, results from a C to G substitution at nucleotide position 3577. The proline at codon 1193 is replaced by alanine, an amino acid with highly similar properties. This amino acid position is highly conserved in available vertebrate species. In addition, the in silico prediction for this alteration is inconclusive. Based on the available evidence, the clinical significance of this variant remains unclear.